The following is an entry in ClinVar:

NM_001148.6(ANK2):c.7546A>G (p.Ser2516Gly)

Genes: ANK2 (ankyrin 2; plus strand), LOC126807137 (CDK7 strongly-dependent group 2 enhancer GRCh37_chr4:114276560-114277759; plus strand). Cytogenetic location: 4q26.
Variant type: single nucleotide variant.
Coding change: c.7546A>G on transcript NM_001148.6 (MANE Select); coding-DNA position 7546, A replaced by G.
Protein change: p.Ser2516Gly; replaces serine 2516 with glycine.
Molecular consequence: missense variant. On other transcripts: intron variant (68).
Genome position (GRCh38, 1-based): chr4:113,356,164, A>G. VCF-style: chr4-113356164-A-G. GRCh37 (hg19) VCF-style: chr4-114277320-A-G.
Other names: c.7312A>G, p.Ser2438Gly (NM_001386142.1); c.3946A>G, p.Ser1316Gly (NM_001386166.1); c.7687A>G, p.Ser2563Gly (NM_001386174.1); c.7663A>G, p.Ser2555Gly (NM_001386175.1); c.4412-4659A>G (NM_001386186.2, NM_001386148.2); c.4214-4659A>G (NM_001354269.3); c.4292-4659A>G (NM_001386187.2); c.4253-4659A>G (NM_001386147.1); and 35 more; short protein forms S2516G, S1316G, S2438G, S2555G, S2563G.
Identifiers: ClinVar variation 574222 (VCV000574222.9), dbSNP rs771826064, ClinGen allele CA3051610.

ClinVar aggregate classification (germline): Conflicting classifications of pathogenicity. Review status: criteria provided, conflicting classifications (1 of 4 stars). 3 submissions from 3 submitters: Uncertain significance (2); Likely benign (1). Last evaluated 2021-04-14.

Conditions:
Cardiovascular phenotype. Identifiers: MedGen CN230736.
Long QT syndrome (LQTS). Identifiers: MedGen C0023976, MeSH D008133, MONDO:0002442. Disease mechanism: loss of function. Inheritance: Various modes of inheritance.

Allele frequency attached by ClinVar (database versions not stated): ExAC 0.00001; gnomAD 0.00001.
gnomAD v4.1: 34 of 1,613,886 alleles (0.0021%); highest among the groups gnomAD compares: Non-Finnish European, 0.0027%; no homozygotes.

Submissions (3):

Labcorp Genetics (formerly Invitae), Labcorp
Classification: Uncertain significance for Long QT syndrome. Last evaluated: 2021-04-14. Review status: criteria provided, single submitter. Criteria: Invitae Variant Classification Sherloc (09022015). Collection method: clinical testing. Allele origin: germline.
Comment: This sequence change replaces serine with glycine at codon 2516 of the ANK2 protein (p.Ser2516Gly). The serine residue is moderately conserved and there is a small physicochemical difference between serine and glycine. This variant has not been reported in the literature in individuals with ANK2-related disease. This variant is present in population databases (rs771826064, ExAC 0.002%). Algorithms developed to predict the effect of missense changes on protein structure and function do not agree on the potential impact of this missense change (SIFT: "Deleterious"; PolyPhen-2: "Probably Damaging"; Align-GVGD: "Class C0"). In summary, the available evidence is currently insufficient to determine the role of this variant in disease. Therefore, it has been classified as a Variant of Uncertain Significance.

Ambry Genetics
Classification: Likely benign for Cardiovascular phenotype. Last evaluated: 2020-11-25. Review status: criteria provided, single submitter. Criteria: Ambry Variant Classification Scheme 2023. Collection method: clinical testing. Allele origin: germline.

GeneDx
Classification: Uncertain significance. Last evaluated: 2020-09-16. Review status: criteria provided, single submitter. Criteria: GeneDx Variant Classification Process June 2021. Collection method: clinical testing. Allele origin: germline. Affected: yes.
Comment: Has not been previously published as pathogenic or benign to our knowledge; Not observed at a significant frequency in large population cohorts (Lek et al., 2016); In silico analysis, which includes protein predictors and evolutionary conservation, supports a deleterious effect; Reported in ClinVar as a variant of uncertain significance (ClinVar Variant ID# 574222; Landrum et al., 2016); Located in exon 38 which is expressed in brain-specific ANK2 transcripts; no pathogenic variants in exon 38 have been reported in association with cardiac phenotypes to our knowledge